The following is an entry in ClinVar:

ClinVar aggregate classification (germline): Uncertain significance. Review status: criteria provided, multiple submitters, no conflicts (2 of 4 stars). 2 submissions from 2 submitters: Uncertain significance (2). Last evaluated 2025-08-07.

Conditions:
Inborn genetic diseases. Identifiers: MedGen C0950123, MeSH D030342.

Allele frequency attached by ClinVar (database versions not stated): gnomAD exomes below 0.00001.
gnomAD v4.1: 2 of 1,561,568 alleles (0.00013%); highest among the groups gnomAD compares: Non-Finnish European, 0.00017%; no homozygotes.

Submissions (2):

Ambry Genetics
Classification: Uncertain significance for Inborn genetic diseases. Last evaluated: 2025-08-07. Review status: criteria provided, single submitter. Criteria: Ambry Variant Classification Scheme 2023. Collection method: clinical testing. Allele origin: germline.

Labcorp Genetics (formerly Invitae), Labcorp
Classification: Uncertain significance. Last evaluated: 2024-09-30. Review status: criteria provided, single submitter. Criteria: Invitae Variant Classification Sherloc (09022015). Collection method: clinical testing. Allele origin: germline.
Comment: This sequence change replaces proline, which is neutral and non-polar, with serine, which is neutral and polar, at codon 1651 of the KAT6A protein (p.Pro1651Ser). This variant is not present in population databases (gnomAD no frequency). This variant has not been reported in the literature in individuals affected with KAT6A-related conditions. Experimental studies and prediction algorithms are not available or were not evaluated, and the functional significance of this variant is currently unknown. In summary, the available evidence is currently insufficient to determine the role of this variant in disease. Therefore, it has been classified as a Variant of Uncertain Significance.

NM_006766.5(KAT6A):c.4951C>T (p.Pro1651Ser)

Gene: KAT6A (lysine acetyltransferase 6A; minus strand). Cytogenetic location: 8p11.21.
Variant type: single nucleotide variant.
Coding change: c.4951C>T on transcript NM_006766.5 (MANE Select); coding-DNA position 4951, C replaced by T.
Protein change: p.Pro1651Ser; replaces proline 1651 with serine.
Molecular consequence: missense variant.
Genome position (GRCh38, 1-based): chr8:41,933,269, G>A on the plus strand (C>T on the coding strand, the complement: KAT6A is on the minus strand). VCF-style: chr8-41933269-G-A. GRCh37 (hg19) VCF-style: chr8-41790787-G-A.
Other names: c.4951C>T (NM_006766.3); short protein forms P1651S.
Identifiers: ClinVar variation 2865403 (VCV002865403.4), dbSNP rs2486753220, ClinGen allele CA371064092.